The following is an entry in ClinVar:

ClinVar aggregate classification (germline): Uncertain significance (1 of 4 stars; one submission).

Conditions:
Familial cancer of breast. Also called: Hereditary breast cancer; BREAST CANCER, FAMILIAL; hereditary breast carcinoma. Identifiers: Orphanet 227535, MedGen C0346153, MONDO:0016419, OMIM 114480. Disease mechanism: loss of function.

Submission:

Labcorp Genetics (formerly Invitae), Labcorp
Classification: Uncertain significance for Familial cancer of breast. Last evaluated: 2022-02-18. Review status: criteria provided, single submitter. Criteria: Invitae Variant Classification Sherloc (09022015). Collection method: clinical testing. Allele origin: germline.
Comment: This sequence change replaces leucine, which is neutral and non-polar, with methionine, which is neutral and non-polar, at codon 266 of the BARD1 protein (p.Leu266Met). This variant is not present in population databases (gnomAD no frequency). In summary, the available evidence is currently insufficient to determine the role of this variant in disease. Therefore, it has been classified as a Variant of Uncertain Significance. Algorithms developed to predict the effect of missense changes on protein structure and function (SIFT, PolyPhen-2, Align-GVGD) all suggest that this variant is likely to be tolerated. This variant has not been reported in the literature in individuals affected with BARD1-related conditions.

NM_000465.4(BARD1):c.796T>A (p.Leu266Met)

Gene: BARD1 (BRCA1 associated RING domain 1; minus strand). Cytogenetic location: 2q35.
Variant type: single nucleotide variant.
Coding change: c.796T>A on transcript NM_000465.4 (MANE Select); coding-DNA position 796, T replaced by A.
Protein change: p.Leu266Met; replaces leucine 266 with methionine.
Molecular consequence: missense variant. On other transcripts: non-coding transcript variant (2), intron variant (3).
Genome position (GRCh38, 1-based): chr2:214,781,078, A>T on the plus strand (T>A on the coding strand, the complement: BARD1 is on the minus strand). VCF-style: chr2-214781078-A-T. GRCh37 (hg19) VCF-style: chr2-215645802-A-T.
Other names: c.739T>A, p.Leu247Met (NM_001282543.2); c.158+28334T>A (NM_001282548.2); c.215+15983T>A (NM_001282545.2); c.364+11219T>A (NM_001282549.2); short protein forms L247M, L266M.
Identifiers: ClinVar variation 2098296 (VCV002098296.4), dbSNP rs2106110370, ClinGen allele CA350455656.